The following is an entry in ClinVar:

NM_000548.5(TSC2):c.4044C>G (p.His1348Gln)

Gene: TSC2 (TSC complex subunit 2; plus strand). Cytogenetic location: 16p13.3.
Variant type: single nucleotide variant.
Coding change: c.4044C>G on transcript NM_000548.5 (MANE Select); coding-DNA position 4044, C replaced by G.
Protein change: p.His1348Gln; replaces histidine 1348 with glutamine.
Molecular consequence: missense variant. On other transcripts: non-coding transcript variant (5).
Genome position (GRCh38, 1-based): chr16:2,084,266, C>G. VCF-style: chr16-2084266-C-G. GRCh37 (hg19) VCF-style: chr16-2134267-C-G.
Other names: c.2499C>G, p.His833Gln (NM_001406696.1, NM_001406697.1, NM_001406695.1); c.2241C>G, p.His747Gln (NM_001406698.1); c.3915C>G, p.His1305Gln (NM_021055.3, NM_001370405.1); c.3843C>G, p.His1281Gln (NM_001077183.3); c.3975C>G, p.His1325Gln (NM_001114382.3); c.3735C>G, p.His1245Gln (NM_001318827.2); c.3699C>G, p.His1233Gln (NM_001318829.2); c.3312C>G, p.His1104Gln (NM_001318831.2); and 26 more; short protein forms H1124Q, H1277Q, H1312Q, H1322Q, H1324Q, H1125Q, H1148Q, H1233Q.
Identifiers: ClinVar variation 3974631 (VCV003974631.2).

ClinVar aggregate classification (germline): Uncertain significance. Review status: criteria provided, multiple submitters, no conflicts (2 of 4 stars). 2 submissions from 2 submitters: Uncertain significance (2). Last evaluated 2026-03-26.

Conditions:
Hereditary cancer-predisposing syndrome. Also called: Neoplastic Syndromes, Hereditary; Tumor predisposition; Hereditary Cancer Syndrome; Hereditary neoplastic syndrome. Identifiers: Orphanet 140162, MedGen C0027672, MeSH D009386, MONDO:0015356.
Tuberous sclerosis 2 (TSC2). Identifiers: Orphanet 805, MedGen C1860707, MONDO:0013199, OMIM 613254.

Submissions (2):

Helix
Classification: Uncertain significance for Tuberous sclerosis 2. Last evaluated: 2026-03-26. Review status: criteria provided, single submitter. Criteria: ACMG Guidelines, 2015. Collection method: clinical testing. Allele origin: germline. Inheritance: Autosomal dominant inheritance.
Comment: This variant (NM_000548.5:c.4044C>G p.His1348Gln) results in the substitution of histidine with glutamine at codon 1348 in the TSC2 protein. It is a rare variant that is absent from the large gnomAD population database (v4.1). To our knowledge, this variant has not been reported in individuals with TSC2-related conditions in the published literature. In silico prediction from REVEL (PMID: 27666373) is indeterminate. This variant is present in ClinVar (Accession: VCV003974631.1). In conclusion, since the available evidence is limited, the clinical significance of this variant is unclear at this time. Therefore, it is classified as a Variant of Uncertain Significance.

Ambry Genetics
Classification: Uncertain significance for Hereditary cancer-predisposing syndrome. Last evaluated: 2025-03-22. Review status: criteria provided, single submitter. Criteria: Ambry Variant Classification Scheme 2023. Collection method: clinical testing. Allele origin: germline.
Comment: The p.H1348Q variant (also known as c.4044C>G), located in coding exon 33 of the TSC2 gene, results from a C to G substitution at nucleotide position 4044. The histidine at codon 1348 is replaced by glutamine, an amino acid with highly similar properties. This amino acid position is conserved. In addition, the in silico prediction for this alteration is inconclusive. Based on the available evidence, the clinical significance of this variant remains unclear.